The following is an entry in ClinVar:

NM_004973.4(JARID2):c.2222C>T (p.Thr741Ile)

Gene: JARID2 (jumonji and AT-rich interaction domain containing 2; plus strand). Cytogenetic location: 6p22.3.
Variant type: single nucleotide variant.
Coding change: c.2222C>T on transcript NM_004973.4 (MANE Select); coding-DNA position 2222, C replaced by T.
Protein change: p.Thr741Ile; replaces threonine 741 with isoleucine.
Molecular consequence: missense variant.
Genome position (GRCh38, 1-based): chr6:15,501,183, C>T. VCF-style: chr6-15501183-C-T. GRCh37 (hg19) VCF-style: chr6-15501414-C-T.
Other names: c.1706C>T, p.Thr569Ile (NM_001267040.1); short protein forms T569I, T741I.
Identifiers: ClinVar variation 735302 (VCV000735302.28), dbSNP rs147485304, ClinGen allele CA3643071.
Genomic context (GRCh38, chr6:15,501,183, plus strand): 5'-AGGAGGTGCTGATGGAGAAGGAGATCCTGGAGAAGCGCAAGGGGCCGCTGGAAGGCCACA[C>T]AGAGAACGACCACCACAAGTTCCACCCTCTGCCCCGCTTCGAGCCCAAGAATGGGCTCAT-3'
Protein context (NP_004964.2, residues 731-751): EKRKGPLEGH[Thr741Ile]ENDHHKFHPL

ClinVar aggregate classification (germline): Benign. Review status: criteria provided, multiple submitters, no conflicts (2 of 4 stars). 2 submissions from 2 submitters: Benign (2). Last evaluated 2024-02-01.

Allele frequency attached by ClinVar (database versions not stated): TOPMed 0.00030; 1000 Genomes Project 30x 0.00031; ESP Exome Variant Server 0.00038; 1000 Genomes Project 0.00040; gnomAD 0.00137 and 0.00144; ExAC 0.00149; gnomAD exomes 0.00187.
gnomAD v4.1: 1,604 of 1,614,136 alleles (0.099%); highest among the groups gnomAD compares: Non-Finnish European, 0.049%; 7 homozygotes.

Submissions (2):

CeGaT Center for Human Genetics Tuebingen
Classification: Benign. Last evaluated: 2024-02-01. Review status: criteria provided, single submitter. Criteria: CeGaT Center For Human Genetics Tuebingen Variant Classification Criteria Version 2. Collection method: clinical testing. Allele origin: germline. Affected: yes. Observed: 3 variant alleles.
Comment: JARID2: PP2, BP4, BS1, BS2

Labcorp Genetics (formerly Invitae), Labcorp
Classification: Benign. Last evaluated: 2019-12-31. Review status: criteria provided, single submitter. Criteria: Invitae Variant Classification Sherloc (09022015). Collection method: clinical testing. Allele origin: germline.